The following is an entry in ClinVar:

NM_001387430.1(SH2B1):c.736A>G (p.Met246Val)

Gene: SH2B1 (SH2B adaptor protein 1; plus strand). Cytogenetic location: 16p11.2.
Variant type: single nucleotide variant.
Coding change: c.736A>G on transcript NM_001387430.1 (MANE Select); coding-DNA position 736, A replaced by G.
Protein change: p.Met246Val; replaces methionine 246 with valine.
Molecular consequence: missense variant. On other transcripts: intron variant (1).
Genome position (GRCh38, 1-based): chr16:28,866,830, A>G. VCF-style: chr16-28866830-A-G. GRCh37 (hg19) VCF-style: chr16-28878151-A-G.
Other names: c.736A>G, p.Met246Val (NM_001145795.2, NM_001145796.2, NM_001145797.2 and 4 more transcripts); c.-26-544A>G (NM_001308294.2); short protein forms M246V.
Identifiers: ClinVar variation 3317994 (VCV003317994.4).
Genomic context (GRCh38, chr16:28,866,830, plus strand): 5'-CACCGTTTTGAGAGGCTGAGACTCAGTCGGGGAGGGGGCGCCTTGAAGGATGGAGCAGGG[A>G]TGGTGCAGAGGGAAGAGCTGCTGAGTTTCATGGGGGCTGAGGAGGCAGCCCCTGACCCAG-3'
Protein context (NP_001374359.1, residues 236-256): GGGALKDGAG[Met246Val]VQREELLSFM

ClinVar aggregate classification (germline): Uncertain significance. Review status: criteria provided, multiple submitters, no conflicts (2 of 4 stars). 3 submissions from 3 submitters: Uncertain significance (2). 1 of the submissions does not count toward it. Last evaluated 2025-07-01.

Conditions:
SH2B1-related disorder. Also called: SH2B1-related condition.

gnomAD v4.1: 32 of 1,596,686 alleles (0.002%); highest among the groups gnomAD compares: Middle Eastern, 0.05%; no homozygotes.

Submissions (3):

Labcorp Genetics (formerly Invitae), Labcorp
Classification: Uncertain significance. Last evaluated: 2025-07-01. Review status: criteria provided, single submitter. Criteria: Invitae Variant Classification Sherloc (09022015). Collection method: clinical testing. Allele origin: germline.
Comment: This sequence change replaces methionine, which is neutral and non-polar, with valine, which is neutral and non-polar, at codon 246 of the SH2B1 protein (p.Met246Val). This variant is present in population databases (rs759456328, gnomAD 0.004%). This variant has not been reported in the literature in individuals affected with SH2B1-related conditions. ClinVar contains an entry for this variant (Variation ID: 3317994). An algorithm developed to predict the effect of missense changes on protein structure and function outputs the following: PolyPhen-2: "Benign". The valine amino acid residue is found in multiple mammalian species, which suggests that this missense change does not adversely affect protein function. In summary, the available evidence is currently insufficient to determine the role of this variant in disease. Therefore, it has been classified as a Variant of Uncertain Significance.

Ambry Genetics
Classification: Uncertain significance. Last evaluated: 2024-06-19. Review status: criteria provided, single submitter. Criteria: Ambry Variant Classification Scheme 2023. Collection method: clinical testing. Allele origin: germline.

PreventionGenetics, part of Exact Sciences
Classification: Uncertain significance for SH2B1-related condition. Last evaluated: 2024-07-18. Review status: no assertion criteria provided. Collection method: clinical testing. Allele origin: germline. Not counted in ClinVar's aggregate classification.
Comment: The SH2B1 c.736A>G variant is predicted to result in the amino acid substitution p.Met246Val. To our knowledge, this variant has not been reported in the literature. This variant is reported in 0.0037% of alleles in individuals of South Asian descent in gnomAD. At this time, the clinical significance of this variant is uncertain due to the absence of conclusive functional and genetic evidence.